The following is an entry in ClinVar:

NM_198252.3(GSN):c.112T>C (p.Phe38Leu)

Gene: GSN (gelsolin; plus strand). Cytogenetic location: 9q33.2.
Variant type: single nucleotide variant.
Coding change: c.112T>C on transcript NM_198252.3 (MANE Select); coding-DNA position 112, T replaced by C.
Protein change: p.Phe38Leu; replaces phenylalanine 38 with leucine.
Molecular consequence: missense variant. On other transcripts: intron variant (1).
Genome position (GRCh38, 1-based): chr9:121,302,083, T>C. VCF-style: chr9-121302083-T-C. GRCh37 (hg19) VCF-style: chr9-124064361-T-C.
Other names: c.265T>C, p.Phe89Leu (NM_000177.5); c.112T>C, p.Phe38Leu (NM_001127662.2, NM_001127664.2, NM_001127665.2 and 10 more transcripts); c.220T>C, p.Phe74Leu (NM_001127663.2); c.145T>C, p.Phe49Leu (NM_001127666.2, NM_001127667.2, NM_001353063.2 and 13 more transcripts); c.163T>C, p.Phe55Leu (NM_001258029.2); c.136T>C, p.Phe46Leu (NM_001258030.2); c.184T>C, p.Phe62Leu (NM_001353076.2); c.-458-828T>C (NM_001353078.2); short protein forms F49L, F62L, F46L, F55L, F38L, F74L, F89L.
Identifiers: ClinVar variation 2804966 (VCV002804966.3), dbSNP rs2059934416, ClinGen allele CA374731889.
Genomic context (GRCh38, chr9:121,302,083, plus strand): 5'-CAGATCTGGCGTGTGGAGAAGTTCGATCTGGTGCCCGTGCCCACCAACCTTTATGGAGAC[T>C]TCTTCACGGGCGACGCCTACGTCATCCTGAAGACAGTGCAGCTGAGGAACGGAAATCTGC-3'
Protein context (NP_937895.1, residues 28-48): VPVPTNLYGD[Phe38Leu]FTGDAYVILK

ClinVar aggregate classification (germline): Uncertain significance (1 of 4 stars; one submission).

Allele frequency attached by ClinVar (database versions not stated): TOPMed below 0.00001.

Submission:

Labcorp Genetics (formerly Invitae), Labcorp
Classification: Uncertain significance. Last evaluated: 2023-12-30. Review status: criteria provided, single submitter. Criteria: Invitae Variant Classification Sherloc (09022015). Collection method: clinical testing. Allele origin: germline.
Comment: This sequence change replaces phenylalanine, which is neutral and non-polar, with leucine, which is neutral and non-polar, at codon 89 of the GSN protein (p.Phe89Leu). This variant is not present in population databases (gnomAD no frequency). This variant has not been reported in the literature in individuals affected with GSN-related conditions. An algorithm developed to predict the effect of missense changes on protein structure and function (PolyPhen-2) suggests that this variant is likely to be disruptive. In summary, the available evidence is currently insufficient to determine the role of this variant in disease. Therefore, it has been classified as a Variant of Uncertain Significance.